The following is an entry in ClinVar:

NM_001128840.3(CACNA1D):c.1463G>A (p.Cys488Tyr)

Gene: CACNA1D (calcium voltage-gated channel subunit alpha1 D; plus strand). Cytogenetic location: 3p21.1.
Variant type: single nucleotide variant.
Coding change: c.1463G>A on transcript NM_001128840.3 (MANE Select); coding-DNA position 1463, G replaced by A.
Protein change: p.Cys488Tyr; replaces cysteine 488 with tyrosine.
Molecular consequence: missense variant.
Genome position (GRCh38, 1-based): chr3:53,718,373, G>A. VCF-style: chr3-53718373-G-A. GRCh37 (hg19) VCF-style: chr3-53752400-G-A.
Other names: c.1463G>A, p.Cys488Tyr (NM_000720.4, NM_001128839.3); short protein forms C488Y.
Identifiers: ClinVar variation 1337604 (VCV001337604.4), dbSNP rs375512160, ClinGen allele CA2453952.

ClinVar aggregate classification (germline): Uncertain significance (1 of 4 stars; one submission).

Allele frequency attached by ClinVar (database versions not stated): gnomAD exomes below 0.00001 and 0.00001; ExAC 0.00001; gnomAD 0.00003; TOPMed 0.00003; ESP Exome Variant Server 0.00008.
gnomAD v4.1: 6 of 1,613,772 alleles (0.00037%); highest among the groups gnomAD compares: African/African-American, 0.008%; no homozygotes.

Submission:

Genetic Services Laboratory, University of Chicago
Classification: Uncertain significance. Last evaluated: 2020-04-28. Review status: criteria provided, single submitter. Criteria: ACMG Guidelines, 2015. Collection method: clinical testing. Allele origin: germline. Affected: no.
Comment: DNA sequence analysis of the CACNA1D gene demonstrated a sequence change, c.1463G>A, in exon 10 that results in an amino acid change, p.Cys488Tyr. This sequence change does not appear to have been previously described in patients with CACNA1D-related disorders and has been described in the gnomAD database with a low population frequency of 0.0014% (dbSNP rs375512160). The p.Cys488Tyr change affects a moderately conserved amino acid residue located in a domain of the CACNA1D protein that is not known to be functional. In-silico pathogenicity prediction tools (SIFT, PolyPhen2, Align GVGD, REVEL) provide contradictory results for the p.Cys488Tyr substitution. Due to these contrasting evidences and the lack of functional studies, the clinical significance of the p.Cys488Tyr change remains unknown at this time.